The following is an entry in ClinVar:

NM_001102564.3(IFT43):c.34C>A (p.Arg12Ser)

Gene: IFT43 (intraflagellar transport 43; plus strand). Cytogenetic location: 14q24.3.
Variant type: single nucleotide variant.
Coding change: c.34C>A on transcript NM_001102564.3 (MANE Select); coding-DNA position 34, C replaced by A.
Protein change: p.Arg12Ser; replaces arginine 12 with serine.
Molecular consequence: missense variant. On other transcripts: non-coding transcript variant (2).
Genome position (GRCh38, 1-based): chr14:75,985,820, C>A. VCF-style: chr14-75985820-C-A. GRCh37 (hg19) VCF-style: chr14-76452163-C-A.
Other names: c.34C>A, p.Arg12Ser (NM_001255995.3, NM_052873.3); short protein forms R12S.
Identifiers: ClinVar variation 854376 (VCV000854376.10), dbSNP rs749145719, ClinGen allele CA390472849.

ClinVar aggregate classification (germline): Uncertain significance. Review status: criteria provided, multiple submitters, no conflicts (2 of 4 stars). 2 submissions from 2 submitters: Uncertain significance (2). Last evaluated 2024-02-21.

Allele frequency attached by ClinVar (database versions not stated): TOPMed 0.00001.
gnomAD v4.1: 2 of 1,614,036 alleles (0.00012%); highest among the groups gnomAD compares: African/African-American, 0.0027%; no homozygotes.

Submissions (2):

Ambry Genetics
Classification: Uncertain significance. Last evaluated: 2024-02-21. Review status: criteria provided, single submitter. Criteria: Ambry Variant Classification Scheme 2023. Collection method: clinical testing. Allele origin: germline.

Labcorp Genetics (formerly Invitae), Labcorp
Classification: Uncertain significance. Last evaluated: 2022-07-11. Review status: criteria provided, single submitter. Criteria: Invitae Variant Classification Sherloc (09022015). Collection method: clinical testing. Allele origin: germline.
Comment: This sequence change replaces arginine, which is basic and polar, with serine, which is neutral and polar, at codon 12 of the IFT43 protein (p.Arg12Ser). In summary, the available evidence is currently insufficient to determine the role of this variant in disease. Therefore, it has been classified as a Variant of Uncertain Significance. Algorithms developed to predict the effect of missense changes on protein structure and function are either unavailable or do not agree on the potential impact of this missense change (SIFT: "Deleterious"; PolyPhen-2: "Probably Damaging"; Align-GVGD: "Class C0"). ClinVar contains an entry for this variant (Variation ID: 854376). This variant has not been reported in the literature in individuals affected with IFT43-related conditions. This variant is not present in population databases (gnomAD no frequency).